The following is an entry in ClinVar:

ClinVar aggregate classification (germline): Uncertain significance. Review status: criteria provided, multiple submitters, no conflicts (2 of 4 stars). 4 submissions from 4 submitters: Uncertain significance (4). Last evaluated 2025-09-21.

Conditions:
Cardiovascular phenotype. Identifiers: MedGen CN230736.
Cardiomyopathy (CMYO). Also called: Cardiomyopathies. Identifiers: Orphanet 167848, MedGen C0878544, MONDO:0004994, HP:0001638. Inheritance: Various modes of inheritance.
Arrhythmogenic right ventricular dysplasia 10. Also called: Arrhythmogenic Right Ventricular Dysplasia/Cardiomyopathy10; Arrhythmogenic right ventricular dysplasia/cardiomyopathy, type 10; ARRHYTHMOGENIC RIGHT VENTRICULAR DYSPLASIA, FAMILIAL, 10. Identifiers: MedGen C1857777, MONDO:0012434, OMIM 610193.
Arrhythmogenic right ventricular cardiomyopathy (ARVD). Also called: Cardiomyopathy, ARVC; Arrhythmogenic right ventricular dysplasia; Arrhythmogenic cardiomyopathy; Arrhythmogenic Right Ventricular Cardiomyopathy (ARVC). Identifiers: Orphanet 247, MedGen C0349788, MeSH D019571, MONDO:0016587. Disease mechanism: loss of function. Inheritance: Various modes of inheritance.

Allele frequency attached by ClinVar (database versions not stated): 1000 Genomes Project 0.00020; gnomAD 0.00001 and 0.00002; gnomAD exomes 0.00001 and 0.00002; TOPMed 0.00001; ExAC 0.00002; 1000 Genomes Project 30x 0.00016.
gnomAD v4.1: 38 of 1,614,134 alleles (0.0024%); highest among the groups gnomAD compares: Non-Finnish European, 0.0031%; no homozygotes.

Submissions (4):

Ambry Genetics
Classification: Uncertain significance for Cardiovascular phenotype. Last evaluated: 2025-09-21. Review status: criteria provided, single submitter. Criteria: Ambry Variant Classification Scheme 2023. Collection method: clinical testing. Allele origin: germline.
Comment: The p.I704V variant (also known as c.2110A>G), located in coding exon 14 of the DSG2 gene, results from an A to G substitution at nucleotide position 2110. The isoleucine at codon 704 is replaced by valine, an amino acid with highly similar properties. This variant has been reported in a hypertrophic cardiomyopathy cohort; however, clinical details were limited. (Lopes LR et al. J Med Genet, 2013 Apr;50:228-39). This amino acid position is poorly conserved in available vertebrate species. In addition, this alteration is predicted to be tolerated by in silico analysis. Since supporting evidence is limited at this time, the clinical significance of this alteration remains unclear.

Color Diagnostics, LLC DBA Color Health
Classification: Uncertain significance for Cardiomyopathy. Last evaluated: 2025-07-10. Review status: criteria provided, single submitter. Criteria: ACMG Guidelines, 2015. Collection method: clinical testing. Allele origin: germline.
Comment: This missense variant replaces isoleucine with valine at codon 704 of the DSG2 protein. Computational prediction suggests that this variant may not impact protein structure and function. To our knowledge, functional studies have not been reported for this variant. This variant has been reported in an individual affected with hypertrophic cardiomyopathy, who also carried a pathogenic variant in the MYH7 gene (PMID: 23396983). This variant has been identified in 3/249432 chromosomes in the general population by the Genome Aggregation Database (gnomAD). The available evidence is insufficient to determine the role of this variant in disease conclusively. Therefore, this variant is classified as a Variant of Uncertain Significance.

Labcorp Genetics (formerly Invitae), Labcorp
Classification: Uncertain significance for Arrhythmogenic right ventricular dysplasia 10. Last evaluated: 2024-11-27. Review status: criteria provided, single submitter. Criteria: Invitae Variant Classification Sherloc (09022015). Collection method: clinical testing. Allele origin: germline.
Comment: This sequence change replaces isoleucine, which is neutral and non-polar, with valine, which is neutral and non-polar, at codon 704 of the DSG2 protein (p.Ile704Val). This variant is present in population databases (rs141388237, gnomAD 0.007%). This variant has not been reported in the literature in individuals affected with DSG2-related conditions. ClinVar contains an entry for this variant (Variation ID: 222563). Invitae Evidence Modeling of protein sequence and biophysical properties (such as structural, functional, and spatial information, amino acid conservation, physicochemical variation, residue mobility, and thermodynamic stability) indicates that this missense variant is not expected to disrupt DSG2 protein function with a negative predictive value of 95%. In summary, the available evidence is currently insufficient to determine the role of this variant in disease. Therefore, it has been classified as a Variant of Uncertain Significance.

All of Us Research Program, National Institutes of Health
Classification: Uncertain significance for Arrhythmogenic right ventricular cardiomyopathy. Last evaluated: 2023-03-28. Review status: criteria provided, single submitter. Criteria: ACMG Guidelines, 2015. Collection method: clinical testing. Allele origin: germline. Inheritance: Autosomal dominant inheritance. Observed: 1 variant allele, 1 heterozygote.
Comment: This missense variant replaces isoleucine with valine at codon 704 of the DSG2 protein. Computational prediction suggests that this variant may not impact protein structure and function (internally defined REVEL score threshold <= 0.5, PMID: 27666373). Splice site prediction tools suggest that this variant may not impact RNA splicing. To our knowledge, functional studies have not been performed for this variant. This variant has been reported in an individual affected with hypertrophic cardiomyopathy, who also carried a pathogenic variant in the MYH7 gene (PMID: 23396983). This variant has been identified in 3/249432 chromosomes in the general population by the Genome Aggregation Database (gnomAD). The available evidence is insufficient to determine the role of this variant in disease conclusively. Therefore, this variant is classified as a Variant of Uncertain Significance.

This study involves interpretation of variants in research participants for the purpose of population health screening. Participant phenotype was not available at the time of variant classification. Additional details can be found in publication PMID: 35346344, PMCID: PMC8962531

Literature cited by the submitters: PubMed 23396983 (cited by 3 submitters).

NM_001943.5(DSG2):c.2110A>G (p.Ile704Val)

Genes: DSG2 (desmoglein 2; plus strand), DSG2-AS1 (DSG2 antisense RNA 1; minus strand). Cytogenetic location: 18q12.1.
Variant type: single nucleotide variant.
Coding change: c.2110A>G on transcript NM_001943.5 (MANE Select); coding-DNA position 2110, A replaced by G.
Protein change: p.Ile704Val; replaces isoleucine 704 with valine.
Molecular consequence: missense variant.
Genome position (GRCh38, 1-based): chr18:31,542,628, A>G. VCF-style: chr18-31542628-A-G. GRCh37 (hg19) VCF-style: chr18-29122591-A-G.
Other names: c.2110A>G (LRG_397t1); short protein forms I704V.
Identifiers: ClinVar variation 222563 (VCV000222563.13), dbSNP rs141388237, ClinGen allele CA044873.